The following is an entry in ClinVar:

NM_001374828.1(ARID1B):c.3652_3655delinsTTCTT (p.Lys1218fs)

Gene: ARID1B (AT-rich interaction domain 1B; plus strand). Cytogenetic location: 6q25.3.
Variant type: Indel.
Coding change: c.3652_3655delinsTTCTT on transcript NM_001374828.1 (MANE Select); coding-DNA positions 3652 to 3655, AAGA replaced by TTCTT.
Protein change: p.Lys1218fs; shifts the reading frame from lysine 1218.
Molecular consequence: frameshift variant.
Genome position (GRCh38, 1-based): chr6:157,181,116-157,181,119, AAGA replaced by TTCTT. VCF-style: chr6-157181116-AAGA-TTCTT. GRCh37 (hg19) VCF-style: chr6-157502250-AAGA-TTCTT.
Other names: c.1153_1156delinsTTCTT, p.Lys385fs (NM_001363725.2); c.3532_3535delinsTTCTT, p.Lys1178fs (NM_001371656.1, NM_001374820.1); c.3781_3784delinsTTCTT, p.Lys1261fs (NM_001438482.1); c.3694_3697delinsTTCTT, p.Lys1232fs (NM_001438483.1); c.3562_3565delinsTTCTT, p.Lys1188fs (NM_001438485.1); c.3535_3538delinsTTCTT, p.Lys1179fs (NM_001438486.1); c.3472_3475delinsTTCTT, p.Lys1158fs (NM_001438487.1); c.994_997delinsTTCTT, p.Lys332fs (NM_001438488.1); and 1 more; short protein forms K1158fs, K1165fs, K1178fs, K1179fs, K1188fs, K1218fs, K1232fs, K1261fs.
Identifiers: ClinVar variation 4073606 (VCV004073606.2).
Genomic context (GRCh38, chr6:157,181,116, plus strand): 5'-CGATACCTCACCTTCATGGAAGAGAGAGGCTCTCCTGTCTCAAGTCTGCCTGCCGTGGGC[AAGA>TTCTT]AGCCCCTGGACCTGTTCCGACTCTACGTCTGCGTCAAAGAGATCGGGGGTTTGGCCCAGG-3'

ClinVar aggregate classification (germline): Likely pathogenic (1 of 4 stars; one submission).

Conditions:
Coffin-Siris syndrome 1 (CSS1). Also called: ARID1B-Related Coffin-Siris Syndrome; Mental retardation, autosomal dominant 12. Identifiers: Orphanet 1465, MedGen C3281201, MONDO:0007617, OMIM 135900. Disease mechanism: gain of function.

Submission:

Juno Genomics, Hangzhou Juno Genomics, Inc
Classification: Likely pathogenic for Coffin-Siris syndrome 1. Review status: criteria provided, single submitter. Criteria: ACMG Guidelines, 2015. Collection method: clinical testing. Allele origin: germline. Affected: yes.
Comment: Absent from controls (or at extremely low frequency if recessive) in Genome Aggregation Database, Exome Sequencing Project, 1000 Genomes Project, or Exome Aggregation Consortium.;Null variant in a gene where loss of function (LOF) is a known mechanism of disease.